The following is an entry in ClinVar:

NM_152564.5(VPS13B):c.10382G>C (p.Ser3461Thr)

Gene: VPS13B (vacuolar protein sorting 13 homolog B; plus strand). Cytogenetic location: 8q22.2.
Variant type: single nucleotide variant.
Coding change: c.10382G>C on transcript NM_152564.5 (MANE Select); coding-DNA position 10382, G replaced by C.
Protein change: p.Ser3461Thr; replaces serine 3461 with threonine.
Molecular consequence: missense variant.
Genome position (GRCh38, 1-based): chr8:99,853,771, G>C. VCF-style: chr8-99853771-G-C. GRCh37 (hg19) VCF-style: chr8-100865999-G-C.
Other names: c.10457G>C, p.Ser3486Thr (NM_017890.5); short protein forms S3461T, S3486T.
Identifiers: ClinVar variation 1354299 (VCV001354299.6), dbSNP rs1816412271, ClinGen allele CA371782615.

ClinVar aggregate classification (germline): Uncertain significance (1 of 4 stars; one submission).

Conditions:
Cohen syndrome (COH1). Also called: PEPPER SYNDROME; Cutis verticis gyrata, retinitis pigmentosa, and sensorineural deafness. Identifiers: Orphanet 193, MedGen C0265223, MONDO:0008999, OMIM 216550.

Allele frequency attached by ClinVar (database versions not stated): TOPMed below 0.00001; gnomAD 0.00001.
gnomAD v4.1: 1 of 1,614,104 alleles (0.000062%); highest among the groups gnomAD compares: Admixed American, 0.0017%; no homozygotes.

Submission:

Labcorp Genetics (formerly Invitae), Labcorp
Classification: Uncertain significance for Cohen syndrome. Last evaluated: 2024-07-30. Review status: criteria provided, single submitter. Criteria: Invitae Variant Classification Sherloc (09022015). Collection method: clinical testing. Allele origin: germline.
Comment: This sequence change replaces serine, which is neutral and polar, with threonine, which is neutral and polar, at codon 3486 of the VPS13B protein (p.Ser3486Thr). This variant is not present in population databases (gnomAD no frequency). This variant has not been reported in the literature in individuals affected with VPS13B-related conditions. ClinVar contains an entry for this variant (Variation ID: 1354299). Advanced modeling of protein sequence and biophysical properties (such as structural, functional, and spatial information, amino acid conservation, physicochemical variation, residue mobility, and thermodynamic stability) performed at Invitae indicates that this missense variant is not expected to disrupt VPS13B protein function with a negative predictive value of 80%. In summary, the available evidence is currently insufficient to determine the role of this variant in disease. Therefore, it has been classified as a Variant of Uncertain Significance.